The following is an entry in ClinVar:

ClinVar aggregate classification (germline): Uncertain significance (1 of 4 stars; one submission).

Submission:

Ambry Genetics
Classification: Uncertain significance. Last evaluated: 2022-07-15. Review status: criteria provided, single submitter. Criteria: Ambry Variant Classification Scheme 2023. Collection method: clinical testing. Allele origin: germline.
Comment: The p.L269V variant (also known as c.805T>G), located in coding exon 6 of the RECQL gene, results from a T to G substitution at nucleotide position 805. The leucine at codon 269 is replaced by valine, an amino acid with highly similar properties. This amino acid position is conserved. In addition, the in silico prediction for this alteration is inconclusive. Since supporting evidence is limited at this time, the clinical significance of this alteration remains unclear.

NM_002907.4(RECQL):c.805T>G (p.Leu269Val)

Gene: RECQL (RecQ like helicase; minus strand). Cytogenetic location: 12p12.1.
Variant type: single nucleotide variant.
Coding change: c.805T>G on transcript NM_002907.4 (MANE Select); coding-DNA position 805, T replaced by G.
Protein change: p.Leu269Val; replaces leucine 269 with valine.
Molecular consequence: missense variant.
Genome position (GRCh38, 1-based): chr12:21,477,865, A>C on the plus strand (T>G on the coding strand, the complement: RECQL is on the minus strand). VCF-style: chr12-21477865-A-C. GRCh37 (hg19) VCF-style: chr12-21630799-A-C.
Other names: c.805T>G, p.Leu269Val (NM_032941.3); short protein forms L269V.
Identifiers: ClinVar variation 1761844 (VCV001761844.2), dbSNP rs1943115457, ClinGen allele CA384124405.
Genomic context (GRCh38, chr12:21,477,865, plus strand): 5'-CATAATATAGATTTGGCCTATTAAAAGAAGCTGTAAAAGTAAAACACTTTTCAATGCACA[A>C]AATTTTCTGAGCATCCGTCAAAACGTGATTTGTTGCAGTTGCAGTCAGCCCAATTAGTGA-3'
Protein context (NP_002898.2, residues 259-279): NHVLTDAQKI[Leu269Val]CIEKCFTFTA